The following is an entry in ClinVar:

NM_000038.6(APC):c.1409-434C>A

Gene: APC (APC regulator of WNT signaling pathway; plus strand). Cytogenetic location: 5q22.2.
Variant type: single nucleotide variant.
Coding change: c.1409-434C>A on transcript NM_000038.6 (MANE Select); 434 bases into the intron before coding-DNA position 1409, C replaced by A.
Molecular consequence: intron variant.
Genome position (GRCh38, 1-based): chr5:112,826,674, C>A. VCF-style: chr5-112826674-C-A. GRCh37 (hg19) VCF-style: chr5-112162371-C-A.
Other names: c.1409-434C>A (NM_001354895.2, NM_001127510.3); c.1439-434C>A (NM_001354897.2); c.1136-434C>A (NM_001354902.2); c.1355-434C>A (NM_001127511.3); c.1334-434C>A (NM_001354898.2); c.1031-434C>A (NM_001354904.2); c.560-434C>A (NM_001354906.2); c.1463-434C>A (NM_001354896.2); and 5 more.
Identifiers: ClinVar variation 82581 (VCV000082581.2), dbSNP rs78974378, ClinGen allele CA005091.

ClinVar aggregate classification (germline): other (0 of 4 stars; one submission).

Conditions:
Familial colorectal cancer. Identifiers: MedGen CN280943, MONDO:0023113. Disease mechanism: loss of function.

Submission:

Systems Biology Platform Zhejiang California International NanoSystems Institute
Classification: other for Familial colorectal cancer. Review status: no assertion criteria provided. Collection method: not provided. Allele origin: unknown.
ClinVar note: Converted during submission from cancer to other.